The following is an entry in ClinVar:

ClinVar aggregate classification (germline): Uncertain significance. Review status: criteria provided, multiple submitters, no conflicts (2 of 4 stars). 3 submissions from 3 submitters: Uncertain significance (3). Last evaluated 2025-09-05.

Conditions:
Cardiovascular phenotype. Identifiers: MedGen CN230736.
DiGeorge syndrome. Also called: THIRD AND FOURTH PHARYNGEAL POUCH SYNDROME; Catch22. Identifiers: Orphanet 567, MedGen C0012236, MONDO:0008564, OMIM 188400.

Allele frequency attached by ClinVar (database versions not stated): gnomAD 0.00001; TOPMed 0.00001.

Submissions (3):

Ambry Genetics
Classification: Uncertain significance for Cardiovascular phenotype. Last evaluated: 2025-09-05. Review status: criteria provided, single submitter. Criteria: Ambry Variant Classification Scheme 2023. Collection method: clinical testing. Allele origin: germline.

GeneDx
Classification: Uncertain significance. Last evaluated: 2025-07-15. Review status: criteria provided, single submitter. Criteria: GeneDx Variant Classification Process June 2021. Collection method: clinical testing. Allele origin: germline. Affected: yes.
Comment: Not observed at significant frequency in large population cohorts (gnomAD); In silico analysis suggests that this missense variant does not alter protein structure/function; Has not been previously published as pathogenic or benign to our knowledge

Labcorp Genetics (formerly Invitae), Labcorp
Classification: Uncertain significance for DiGeorge syndrome. Last evaluated: 2025-03-13. Review status: criteria provided, single submitter. Criteria: Invitae Variant Classification Sherloc (09022015). Collection method: clinical testing. Allele origin: germline.
Comment: This sequence change replaces proline, which is neutral and non-polar, with serine, which is neutral and polar, at codon 74 of the TBX1 protein (p.Pro74Ser). This variant is not present in population databases (gnomAD no frequency). This variant has not been reported in the literature in individuals affected with TBX1-related conditions. ClinVar contains an entry for this variant (Variation ID: 2892901). Invitae Evidence Modeling of protein sequence and biophysical properties (such as structural, functional, and spatial information, amino acid conservation, physicochemical variation, residue mobility, and thermodynamic stability) indicates that this missense variant is not expected to disrupt TBX1 protein function with a negative predictive value of 80%. In summary, the available evidence is currently insufficient to determine the role of this variant in disease. Therefore, it has been classified as a Variant of Uncertain Significance.

NM_001379200.1(TBX1):c.247C>T (p.Pro83Ser)

Gene: TBX1 (T-box transcription factor 1; plus strand). Cytogenetic location: 22q11.21.
Variant type: single nucleotide variant.
Coding change: c.247C>T on transcript NM_001379200.1 (MANE Select); coding-DNA position 247, C replaced by T.
Protein change: p.Pro83Ser; replaces proline 83 with serine.
Molecular consequence: missense variant.
Genome position (GRCh38, 1-based): chr22:19,761,090, C>T. VCF-style: chr22-19761090-C-T. GRCh37 (hg19) VCF-style: chr22-19748613-C-T.
Other names: c.220C>T, p.Pro74Ser (NM_005992.1, NM_080646.2, NM_080647.1); short protein forms P83S, P74S.
Identifiers: ClinVar variation 2892901 (VCV002892901.5), dbSNP rs1936643740, ClinGen allele CA410681457.